The following is an entry in ClinVar:

ClinVar aggregate classification (germline): Uncertain significance (1 of 4 stars; one submission).

Conditions:
Fanconi anemia (FA). Also called: Fanconi's anemia. Identifiers: Orphanet 84, MedGen C0015625, MeSH D005199, MONDO:0019391.

Submission:

Labcorp Genetics (formerly Invitae), Labcorp
Classification: Uncertain significance for Fanconi anemia. Last evaluated: 2025-10-01. Review status: criteria provided, single submitter. Criteria: Invitae Variant Classification Sherloc (09022015). Collection method: clinical testing. Allele origin: germline.
Comment: This sequence change replaces leucine, which is neutral and non-polar, with serine, which is neutral and polar, at codon 1602 of the FANCM protein (p.Leu1602Ser). This variant is not present in population databases (gnomAD no frequency). This variant has not been reported in the literature in individuals affected with FANCM-related conditions. ClinVar contains an entry for this variant (Variation ID: 2169576). An algorithm developed to predict the effect of missense changes on protein structure and function (PolyPhen-2) suggests that this variant is likely to be tolerated. In summary, the available evidence is currently insufficient to determine the role of this variant in disease. Therefore, it has been classified as a Variant of Uncertain Significance.

NM_020937.4(FANCM):c.4805T>C (p.Leu1602Ser)

Gene: FANCM (FA complementation group M; plus strand). Cytogenetic location: 14q21.2.
Variant type: single nucleotide variant.
Coding change: c.4805T>C on transcript NM_020937.4 (MANE Select); coding-DNA position 4805, T replaced by C.
Protein change: p.Leu1602Ser; replaces leucine 1602 with serine.
Molecular consequence: missense variant.
Genome position (GRCh38, 1-based): chr14:45,188,827, T>C. VCF-style: chr14-45188827-T-C. GRCh37 (hg19) VCF-style: chr14-45658030-T-C.
Other names: c.4727T>C, p.Leu1576Ser (NM_001308133.2); short protein forms L1576S, L1602S.
Identifiers: ClinVar variation 2169576 (VCV002169576.4), dbSNP rs2503242618, ClinGen allele CA389610783.
Genomic context (GRCh38, chr14:45,188,827, plus strand): 5'-AATAAATATAAAACATTCTTGTGTTTTTATTGTAGATTCCTGAACAAGATGAAACCTATT[T>C]AGAGGATAGTTTTTGTGTTGATGAAGAGGAGTCTTGCAAAGGCCAATCAAGTGAAGAAGA-3'
Protein context (NP_065988.1, residues 1592-1612): SQIPEQDETY[Leu1602Ser]EDSFCVDEEE